The following is an entry in ClinVar:

NM_004046.6(ATP5F1A):c.224T>C (p.Leu75Ser)

Gene: ATP5F1A (ATP synthase F1 subunit alpha; minus strand). Cytogenetic location: 18q21.1.
Variant type: single nucleotide variant.
Coding change: c.224T>C on transcript NM_004046.6 (MANE Select); coding-DNA position 224, T replaced by C.
Protein change: p.Leu75Ser; replaces leucine 75 with serine.
Molecular consequence: missense variant.
Genome position (GRCh38, 1-based): chr18:46,091,767, A>G on the plus strand (T>C on the coding strand, the complement: ATP5F1A is on the minus strand). VCF-style: chr18-46091767-A-G. GRCh37 (hg19) VCF-style: chr18-43671733-A-G.
Other names: c.74T>C, p.Leu25Ser (NM_001001935.3, NM_001257335.2); c.224T>C, p.Leu75Ser (NM_001001937.2, NM_001257334.2); short protein forms L25S, L75S.
Identifiers: ClinVar variation 3667619 (VCV003667619.2).

ClinVar aggregate classification (germline): Uncertain significance (1 of 4 stars; one submission).

Submission:

Labcorp Genetics (formerly Invitae), Labcorp
Classification: Uncertain significance. Last evaluated: 2024-04-25. Review status: criteria provided, single submitter. Criteria: Invitae Variant Classification Sherloc (09022015). Collection method: clinical testing. Allele origin: germline.
Comment: This sequence change replaces leucine, which is neutral and non-polar, with serine, which is neutral and polar, at codon 75 of the ATP5A1 protein (p.Leu75Ser). This variant is not present in population databases (gnomAD no frequency). This variant has not been reported in the literature in individuals affected with ATP5A1-related conditions. Advanced modeling of protein sequence and biophysical properties (such as structural, functional, and spatial information, amino acid conservation, physicochemical variation, residue mobility, and thermodynamic stability) performed at Invitae indicates that this missense variant is not expected to disrupt ATP5A1 protein function with a negative predictive value of 80%. In summary, the available evidence is currently insufficient to determine the role of this variant in disease. Therefore, it has been classified as a Variant of Uncertain Significance.